The following is an entry in ClinVar:

ClinVar aggregate classification (germline): Uncertain significance (1 of 4 stars; one submission).

Conditions:
Spastic paraplegia. Identifiers: MedGen C0037772, HP:0001258.

Allele frequency attached by ClinVar (database versions not stated): TOPMed below 0.00001; gnomAD 0.00001; gnomAD exomes 0.00001.
gnomAD v4.1: 5 of 1,541,766 alleles (0.00032%); highest among the groups gnomAD compares: Admixed American, 0.01%; no homozygotes.

Submission:

Labcorp Genetics (formerly Invitae), Labcorp
Classification: Uncertain significance for Spastic paraplegia. Last evaluated: 2022-08-22. Review status: criteria provided, single submitter. Criteria: Invitae Variant Classification Sherloc (09022015). Collection method: clinical testing. Allele origin: germline.
Comment: In summary, the available evidence is currently insufficient to determine the role of this variant in disease. Therefore, it has been classified as a Variant of Uncertain Significance. Algorithms developed to predict the effect of missense changes on protein structure and function are either unavailable or do not agree on the potential impact of this missense change (SIFT: "Tolerated"; PolyPhen-2: "Probably Damaging"; Align-GVGD: "Class C0"). ClinVar contains an entry for this variant (Variation ID: 1440899). This variant has not been reported in the literature in individuals affected with VAMP1-related conditions. The frequency data for this variant in the population databases is considered unreliable, as metrics indicate poor data quality at this position in the gnomAD database. This sequence change replaces threonine, which is neutral and polar, with isoleucine, which is neutral and non-polar, at codon 118 of the VAMP1 protein (p.Thr118Ile).

NM_014231.5(VAMP1):c.353C>T (p.Thr118Ile)

Genes: TAPBPL (TAP binding protein like; plus strand), VAMP1 (vesicle associated membrane protein 1; minus strand). Cytogenetic location: 12p13.31.
Variant type: single nucleotide variant.
Coding change: c.353C>T on transcript NM_014231.5 (MANE Select); coding-DNA position 353, C replaced by T.
Protein change: p.Thr118Ile; replaces threonine 118 with isoleucine.
Molecular consequence: missense variant. On other transcripts: 3 prime UTR variant (1), intron variant (2).
Genome position (GRCh38, 1-based): chr12:6,464,474, G>A on the plus strand (C>T on the coding strand, the complement: VAMP1 is on the minus strand). VCF-style: chr12-6464474-G-A. GRCh37 (hg19) VCF-style: chr12-6573640-G-A.
Other names: c.*402C>T (NM_199245.3); c.340+416C>T (NM_016830.4, NM_001297438.2); short protein forms T118I.
Identifiers: ClinVar variation 1440899 (VCV001440899.6), dbSNP rs1232673532, ClinGen allele CA383558592.